The following is an entry in ClinVar:

NM_016507.4(CDK12):c.2009C>T (p.Pro670Leu)

Gene: CDK12 (cyclin dependent kinase 12; plus strand). Cytogenetic location: 17q12.
Variant type: single nucleotide variant.
Coding change: c.2009C>T on transcript NM_016507.4 (MANE Select); coding-DNA position 2009, C replaced by T.
Protein change: p.Pro670Leu; replaces proline 670 with leucine.
Molecular consequence: missense variant.
Genome position (GRCh38, 1-based): chr17:39,490,634, C>T. VCF-style: chr17-39490634-C-T. GRCh37 (hg19) VCF-style: chr17-37646887-C-T.
Other names: c.2009C>T, p.Pro670Leu (NM_015083.4); short protein forms P670L.
Identifiers: ClinVar variation 4651426 (VCV004651426.1).

ClinVar aggregate classification (germline): Uncertain significance (1 of 4 stars; one submission).

gnomAD v4.1: 1 of 1,613,498 alleles (0.000062%); highest among the groups gnomAD compares: African/African-American, 0.0013%; no homozygotes.

Submission:

Ambry Genetics
Classification: Uncertain significance. Last evaluated: 2025-11-02. Review status: criteria provided, single submitter. Criteria: Ambry Variant Classification Scheme 2023. Collection method: clinical testing. Allele origin: germline.
Comment: The p.P670L variant (also known as c.2009C>T), located in coding exon 3 of the CDK12 gene, results from a C to T substitution at nucleotide position 2009. The proline at codon 670 is replaced by leucine, an amino acid with similar properties. This amino acid position is conserved. In addition, the in silico prediction for this alteration is inconclusive. Based on the available evidence, the clinical significance of this variant remains unclear.